The following is an entry in ClinVar:

ClinVar aggregate classification (germline): Uncertain significance (1 of 4 stars; one submission).

Conditions:
DOCK2 deficiency. Also called: Immunodeficiency 40. Identifiers: Orphanet 447737, MedGen C4225328, MONDO:0014637, OMIM 616433.

Submission:

Labcorp Genetics (formerly Invitae), Labcorp
Classification: Uncertain significance for DOCK2 deficiency. Last evaluated: 2022-08-09. Review status: criteria provided, single submitter. Criteria: Invitae Variant Classification Sherloc (09022015). Collection method: clinical testing. Allele origin: germline.
Comment: ClinVar contains an entry for this variant (Variation ID: 1442014). This variant has not been reported in the literature in individuals affected with DOCK2-related conditions. This variant is not present in population databases (gnomAD no frequency). This sequence change falls in intron 37 of the DOCK2 gene. It does not directly change the encoded amino acid sequence of the DOCK2 protein. It affects a nucleotide within the consensus splice site. In summary, the available evidence is currently insufficient to determine the role of this variant in disease. Therefore, it has been classified as a Variant of Uncertain Significance. Variants that disrupt the consensus splice site are a relatively common cause of aberrant splicing (PMID: 17576681, 9536098). Algorithms developed to predict the effect of sequence changes on RNA splicing suggest that this variant is not likely to affect RNA splicing.

Literature cited by the submitters: PubMed 17576681; PubMed 9536098.

NM_004946.3(DOCK2):c.3756+4C>G

Gene: DOCK2 (dedicator of cytokinesis 2; plus strand). Cytogenetic location: 5q35.1.
Variant type: single nucleotide variant.
Coding change: c.3756+4C>G on transcript NM_004946.3 (MANE Select); 4 bases into the intron after coding-DNA position 3756, C replaced by G.
Molecular consequence: intron variant.
Genome position (GRCh38, 1-based): chr5:170,041,149, C>G. VCF-style: chr5-170041149-C-G. GRCh37 (hg19) VCF-style: chr5-169468153-C-G.
Identifiers: ClinVar variation 1442014 (VCV001442014.6), dbSNP rs2113843700, ClinGen allele CA2573139397.